The following is an entry in ClinVar:

NM_032930.3(CFAP300):c.110+15_110+16inv

Gene: CFAP300 (cilia and flagella associated protein 300; plus strand). Cytogenetic location: 11q22.1.
Variant type: Inversion.
Coding change: c.110+15_110+16inv on transcript NM_032930.3 (MANE Select).
Molecular consequence: intron variant.
Genome position: GRCh38 VCF-style: chr11-102047595-CA-TG. GRCh37 (hg19) VCF-style: chr11-101918326-CA-TG.
Other names: c.110+15_110+16inv (NM_001363505.2, NM_001195005.2).
Identifiers: ClinVar variation 3679273 (VCV003679273.1).
Genomic context (GRCh38, chr11:102,047,595, plus strand): 5'-TCCAGTCTCTGAGCTCTAAGGAGATCACCAGCCGGCTCCGCCAGTGGTGAGGAACCGAGG[CA>TG]CAGGGAGAGAAGAGGCCCTTGGTCTTCGCGGCTGTGGAGGCGCAGGCCGGGCGTCGAGGG-3'

ClinVar aggregate classification (germline): Uncertain significance (1 of 4 stars; one submission).

Submission:

Labcorp Genetics (formerly Invitae), Labcorp
Classification: Uncertain significance. Last evaluated: 2024-09-03. Review status: criteria provided, single submitter. Criteria: Invitae Variant Classification Sherloc (09022015). Collection method: clinical testing. Allele origin: germline.
Comment: This sequence change falls in intron 1 of the C11orf70 gene. It does not directly change the encoded amino acid sequence of the C11orf70 protein. Information on the frequency of this variant in the gnomAD database is not available, as this variant may be reported differently in the database. This variant has not been reported in the literature in individuals affected with C11orf70-related conditions. Experimental studies and prediction algorithms are not available or were not evaluated, and the effect of this variant on mRNA splicing is currently unknown. In summary, the available evidence is currently insufficient to determine the role of this variant in disease. Therefore, it has been classified as a Variant of Uncertain Significance.